The following is an entry in ClinVar:

ClinVar aggregate classification (germline): Uncertain significance (1 of 4 stars; one submission).

Submission:

Labcorp Genetics (formerly Invitae), Labcorp
Classification: Uncertain significance. Last evaluated: 2022-05-06. Review status: criteria provided, single submitter. Criteria: Invitae Variant Classification Sherloc (09022015). Collection method: clinical testing. Allele origin: germline.
Comment: This sequence change replaces aspartic acid, which is acidic and polar, with glycine, which is neutral and non-polar, at codon 466 of the PYROXD1 protein (p.Asp466Gly). In summary, the available evidence is currently insufficient to determine the role of this variant in disease. Therefore, it has been classified as a Variant of Uncertain Significance. Algorithms developed to predict the effect of missense changes on protein structure and function are either unavailable or do not agree on the potential impact of this missense change (SIFT: "Deleterious"; PolyPhen-2: "Benign"; Align-GVGD: "Class C0"). This variant has not been reported in the literature in individuals affected with PYROXD1-related conditions. This variant is not present in population databases (gnomAD no frequency).

NM_024854.5(PYROXD1):c.1397A>G (p.Asp466Gly)

Gene: PYROXD1 (pyridine nucleotide-disulphide oxidoreductase domain 1; plus strand). Cytogenetic location: 12p12.1.
Variant type: single nucleotide variant.
Coding change: c.1397A>G on transcript NM_024854.5 (MANE Select); coding-DNA position 1397, A replaced by G.
Protein change: p.Asp466Gly; replaces aspartic acid 466 with glycine.
Molecular consequence: missense variant.
Genome position (GRCh38, 1-based): chr12:21,468,648, A>G. VCF-style: chr12-21468648-A-G. GRCh37 (hg19) VCF-style: chr12-21621582-A-G.
Other names: c.1184A>G, p.Asp395Gly (NM_001350912.2); c.620A>G, p.Asp207Gly (NM_001350913.2); short protein forms D395G, D466G, D207G.
Identifiers: ClinVar variation 2104155 (VCV002104155.4), dbSNP rs2540293528, ClinGen allele CA384112701.